The following is an entry in ClinVar:

ClinVar aggregate classification (germline): Benign/Likely benign. Review status: criteria provided, multiple submitters, no conflicts (2 of 4 stars). 9 submissions from 8 submitters: Benign (6); Likely benign (2). 1 of the submissions does not count toward it. Last evaluated 2026-01-19.

Conditions:
Tangier disease (TGD). Also called: Cholesterol thesaurismosis; HIGH DENSITY LIPOPROTEIN DEFICIENCY, TANGIER TYPE; HIGH DENSITY LIPOPROTEIN DEFICIENCY, TYPE 1. Identifiers: Orphanet 31150, MedGen C0039292, MONDO:0008783, OMIM 205400.
Hypoalphalipoproteinemia, primary, 1. Identifiers: Orphanet 425, MedGen C5231558, MONDO:0011393, OMIM 604091.
ABCA1-related disorder. Also called: ABCA1-related disorders; ABCA1-related condition. Identifiers: MedGen CN239173.
Cardiovascular phenotype. Identifiers: MedGen CN230736.

Allele frequency attached by ClinVar (database versions not stated): gnomAD exomes 0.00043 and 0.00109; ExAC 0.00128; gnomAD 0.00394 and 0.00424; TOPMed 0.00447; ESP Exome Variant Server 0.00469; 1000 Genomes Project 0.00479; 1000 Genomes Project 30x 0.00531.
gnomAD v4.1: 1,249 of 1,614,190 alleles (0.077%); highest among the groups gnomAD compares: African/African-American, 1.4%; 11 homozygotes.

Submissions (9):

Labcorp Genetics (formerly Invitae), Labcorp
Classification: Benign. Last evaluated: 2026-01-19. Review status: criteria provided, single submitter. Criteria: Invitae Variant Classification Sherloc (09022015). Collection method: clinical testing. Allele origin: germline.

Ambry Genetics
Classification: Benign for Cardiovascular phenotype. Last evaluated: 2025-10-06. Review status: criteria provided, single submitter. Criteria: Ambry Variant Classification Scheme 2023. Collection method: clinical testing. Allele origin: germline.

CeGaT Center for Human Genetics Tuebingen
Classification: Likely benign. Last evaluated: 2025-04-01. Review status: criteria provided, single submitter. Criteria: CeGaT Center For Human Genetics Tuebingen Variant Classification Criteria Version 2. Collection method: clinical testing. Allele origin: germline. Affected: yes. Observed: 1 variant allele.
Comment: ABCA1: BP4, BS1

Mayo Clinic Laboratories, Mayo Clinic
Classification: Benign. Last evaluated: 2024-01-10. Review status: criteria provided, single submitter. Criteria: ACMG Guidelines, 2015. Collection method: clinical testing. Allele origin: germline. Observed: 3 variant alleles.
Comment: BA1, BS2

GeneDx
Classification: Likely benign. Last evaluated: 2019-09-19. Review status: criteria provided, single submitter. Criteria: GeneDx Variant Classification Process June 2021. Collection method: clinical testing. Allele origin: germline. Affected: yes.

Illumina Laboratory Services, Illumina
Classification: Benign for Tangier disease. Last evaluated: 2018-01-12. Review status: criteria provided, single submitter. Criteria: ICSL Variant Classification Criteria 13 December 2019. Collection method: clinical testing. Allele origin: germline.
Comment: This variant was observed in the ICSL laboratory as part of a predisposition screen in an ostensibly healthy population. It had not been previously curated by ICSL or reported in the Human Gene Mutation Database (HGMD: prior to June 1st, 2018), and was therefore a candidate for classification through an automated scoring system. Utilizing variant allele frequency, disease prevalence and penetrance estimates, and inheritance mode, an automated score was calculated to assess if this variant is too frequent to cause the disease. Based on the score and internal cut-off values, a variant classified as benign is not then subjected to further curation. The score for this variant resulted in a classification of benign for this disease.

Illumina Laboratory Services, Illumina
Classification: Benign for Hypoalphalipoproteinemia, primary, 1. Last evaluated: 2018-01-12. Review status: criteria provided, single submitter. Criteria: ICSL Variant Classification Criteria 13 December 2019. Collection method: clinical testing. Allele origin: germline.
Comment: the same text as in the submission from Illumina Laboratory Services, Illumina above.

Women's Health and Genetics/Laboratory Corporation of America, LabCorp
Classification: Benign. Last evaluated: 2016-05-31. Review status: criteria provided, single submitter. Criteria: LabCorp Variant Classification Summary - May 2015. Collection method: clinical testing. Allele origin: germline.
Comment: Variant summary: The ABCA1 c.634T>A (p.Ser212Thr) variant involves the alteration of a non-conserved nucleotide. 4/5 in silico tools predict a benign outcome. This variant was found in 156/141780 control chromosomes (including one homozygote), predominantly observed in the African subpopulation at a frequency of 0.0138382 (144/10406). This frequency is about 1107 times the estimated maximal expected allele frequency of a pathogenic ABCA1 variant (0.0000125), suggesting this is a benign polymorphism found primarily in the populations of African origin. Taken together, this variant is classified as Benign.

PreventionGenetics, part of Exact Sciences
Classification: Benign for ABCA1-related condition. Last evaluated: 2019-06-04. Review status: no assertion criteria provided. Collection method: clinical testing. Allele origin: germline. Not counted in ClinVar's aggregate classification.
Comment: This variant is classified as benign based on ACMG/AMP sequence variant interpretation guidelines (Richards et al. 2015 PMID: 25741868, with internal and published modifications).

Literature cited by the submitters: PubMed 23139370 (cited by Ambry Genetics and Women's Health and Genetics/Laboratory Corporation of America, LabCorp).

NM_005502.4(ABCA1):c.634T>A (p.Ser212Thr)

Gene: ABCA1 (ATP binding cassette subfamily A member 1; minus strand). Cytogenetic location: 9q31.1.
Variant type: single nucleotide variant.
Coding change: c.634T>A on transcript NM_005502.4 (MANE Select); coding-DNA position 634, T replaced by A.
Protein change: p.Ser212Thr; replaces serine 212 with threonine.
Molecular consequence: missense variant.
Genome position (GRCh38, 1-based): chr9:104,858,608, A>T on the plus strand (T>A on the coding strand, the complement: ABCA1 is on the minus strand). VCF-style: chr9-104858608-A-T. GRCh37 (hg19) VCF-style: chr9-107620889-A-T.
Other names: p.Ser212Thr; short protein forms S212T.
Identifiers: ClinVar variation 496296 (VCV000496296.25), dbSNP rs115216814, ClinGen allele CA5169330.